The following is an entry in ClinVar:

NM_003060.4(SLC22A5):c.-100G>C

Genes: MIR3936HG (MIR3936 host gene; minus strand), SLC22A5 (solute carrier family 22 member 5; plus strand), LOC129994569 (ATAC-STARR-seq lymphoblastoid silent region 16317; plus strand). Cytogenetic location: 5q31.1.
Variant type: single nucleotide variant.
Coding change: c.-100G>C on transcript NM_003060.4 (MANE Select); 100 bases upstream of the start codon, G replaced by C.
Molecular consequence: 5 prime UTR variant. On other transcripts: non-coding transcript variant (1).
Genome position (GRCh38, 1-based): chr5:132,369,873, G>C. VCF-style: chr5-132369873-G-C. GRCh37 (hg19) VCF-style: chr5-131705565-G-C.
Other names: c.-100G>C (NM_001308122.2).
Identifiers: ClinVar variation 1218205 (VCV001218205.28), dbSNP rs568975386, ClinGen allele CA127195895.

ClinVar aggregate classification (germline): Likely benign. Review status: criteria provided, multiple submitters, no conflicts (2 of 4 stars). 3 submissions from 3 submitters: Likely benign (3). Last evaluated 2026-09-01.

Allele frequency attached by ClinVar (database versions not stated): 1000 Genomes Project 30x 0.00328; 1000 Genomes Project 0.00359; gnomAD 0.00361; TOPMed 0.00411.
gnomAD v4.1: 1,026 of 1,496,652 alleles (0.069%); highest among the groups gnomAD compares: African/African-American, 1.2%; 8 homozygotes.

Submissions (3):

CeGaT Center for Human Genetics Tuebingen
Classification: Likely benign. Last evaluated: 2026-09-01. Review status: criteria provided, single submitter. Criteria: CeGaT Center For Human Genetics Tuebingen Variant Classification Criteria Version 2. Collection method: clinical testing. Allele origin: germline. Affected: yes. Observed: 2 variant alleles.
Comment: SLC22A5: BS1

GeneDx
Classification: Likely benign. Last evaluated: 2018-09-05. Review status: criteria provided, single submitter. Criteria: GeneDx Variant Classification Process June 2021. Collection method: clinical testing. Allele origin: germline. Affected: yes.

Breakthrough Genomics
Classification: Likely benign. Review status: criteria provided, single submitter. Criteria: ACMG Guidelines, 2015. Collection method: not provided. Allele origin: germline. Inheritance: Autosomal recessive inheritance. Affected: yes.